The following is an entry in ClinVar:

NM_001164508.2(NEB):c.22272+2dup

Genes: RIF1 (replication timing regulatory factor 1; plus strand), NEB (nebulin; minus strand). Cytogenetic location: 2q23.3.
Variant type: Duplication.
Coding change: c.22272+2dup on transcript NM_001164508.2 (MANE Select); the canonical splice donor site of the intron after coding-DNA position 22272, one base duplicated (T; older notation c.22272+2dupT).
Molecular consequence: splice donor variant.
Genome position (GRCh38, 1-based): chr2:151,525,161, A duplicated on the plus strand (T on the coding strand, the reverse complement: NEB is on the minus strand). VCF-style (leftmost placement, unchanged base first): chr2-151525160-T-TA. GRCh37 (hg19) VCF-style: chr2-152381674-T-TA.
Other names: c.17169+2dup (NM_004543.5); c.22272+2dup (NM_001164507.2); c.22377+2dup (NM_001271208.2, NM_001271208.1).
Identifiers: ClinVar variation 801767 (VCV000801767.5), dbSNP rs773465809, ClinGen allele CA1906726.
Genomic context (GRCh38, chr2:151,525,160, plus strand): 5'-TGCACCAATCTGGGTTCCACTGCTTCAAATGGGCCCCCAAGAGTGTTGAGAGGGAAAACT[T>TA]ACATCACTTTGCTTCTTGGCCACTTCCATAGCATGTTTCACCTCTGGTGGCTCCAGCATG-3'

ClinVar aggregate classification (germline): Conflicting classifications of pathogenicity. Review status: criteria provided, conflicting classifications (1 of 4 stars). 4 submissions from 4 submitters: Likely pathogenic (1); Uncertain significance (3). Last evaluated 2025-09-30.

Conditions:
Arthrogryposis multiplex congenita 6. Identifiers: MedGen C5543431, MONDO:0030281, OMIM 619334.
Nemaline myopathy. Also called: Myopathies, Nemaline. Identifiers: Orphanet 607, MedGen C0206157, MONDO:0018958.
Nemaline myopathy 2 (NEM2). Also called: Nemaline myopathy 2, autosomal recessive. Identifiers: MedGen C1850569, MONDO:0009725, OMIM 256030.

Allele frequency attached by ClinVar (database versions not stated): gnomAD exomes below 0.00001; ExAC 0.00001.

Submissions (4):

3billion
Classification: Uncertain significance for Nemaline myopathy 2. Last evaluated: 2025-09-30. Review status: criteria provided, single submitter. Criteria: ACMG Guidelines, 2015. Collection method: clinical testing. Allele origin: germline. Affected: yes.
Comment: The variant is observed at an extremely low frequency in the gnomAD v4.1.0 dataset (total allele frequency: <0.001%). Predicted Consequence/Location: Intron variant In silico tools predict the variant to alter splicing and produce an abnormal transcript [SpliceAI: 0.71 (>=0.2, moderate evidence for spliceogenicity)]. The variant has been reported to be associated with NEB-related disorder (ClinVar ID: VCV000801767 /PMID: 25205138). However, the evidence of pathogenicity is insufficient at this time. Therefore, this variant is classified as VUS according to the recommendation of ACMG/AMP guideline.

Broad Center for Mendelian Genomics, Broad Institute of MIT and Harvard
Classification: Uncertain significance for Nemaline myopathy. Last evaluated: 2025-03-03. Review status: criteria provided, single submitter. Criteria: ACMG Guidelines, 2015. Collection method: curation. Allele origin: germline. Inheritance: Autosomal recessive inheritance.
Comment: The c.22272+2dup variant in NEB has been reported in one individual with nemaline myopathy (PMID: 25205138), and has been identified in 0.0003% (3/1106100) of European (non-Finnish) chromosomes by the Genome Aggregation Database (gnomAD; dbSNP ID: rs773465809). Although this variant has been seen in the general population in a heterozygous state, its frequency is low enough to be consistent with a recessive carrier frequency. This variant has also been reported in ClinVar (Variation ID: 801767) and has been interpreted as a variant of uncertain significance by Mendelics. Computational prediction tools and conservation analyses suggest that this variant may impact the protein, though this information is not predictive enough to determine pathogenicity. In summary, the clinical significance of the c.22272+2dup variant is uncertain. ACMG/AMP Criteria applied: PM2_supporting, PP3 (Richards 2015).

Baylor Genetics
Classification: Likely pathogenic for Arthrogryposis multiplex congenita 6. Last evaluated: 2023-12-19. Review status: criteria provided, single submitter. Criteria: ACMG Guidelines, 2015. Collection method: clinical testing. Allele origin: unknown.

Mendelics
Classification: Uncertain significance for Nemaline myopathy 2. Last evaluated: 2019-05-28. Review status: criteria provided, single submitter. Criteria: Mendelics Assertion Criteria 2017. Collection method: clinical testing. Allele origin: unknown.

Literature cited by the submitters: PubMed 25205138 (cited by 3billion).